The following is an entry in ClinVar:

ClinVar aggregate classification (germline): Uncertain significance (1 of 4 stars; one submission).

gnomAD v4.1: 24 of 1,614,158 alleles (0.0015%); highest among the groups gnomAD compares: Non-Finnish European, 0.0019%; no homozygotes.

Submission:

GeneDx
Classification: Uncertain significance. Last evaluated: 2026-03-11. Review status: criteria provided, single submitter. Criteria: GeneDx Variant Classification Process June 2021. Collection method: clinical testing. Allele origin: germline.
Comment: Not observed at significant frequency in large population cohorts (gnomAD); In silico analysis supports that this missense variant has a deleterious effect on protein structure/function; Has not been previously published as pathogenic or benign to our knowledge

NM_000384.3(APOB):c.4448A>C (p.Glu1483Ala)

Gene: APOB (apolipoprotein B; minus strand). Cytogenetic location: 2p24.1.
Variant type: single nucleotide variant.
Coding change: c.4448A>C on transcript NM_000384.3 (MANE Select); coding-DNA position 4448, A replaced by C.
Protein change: p.Glu1483Ala; replaces glutamic acid 1483 with alanine.
Molecular consequence: missense variant.
Genome position (GRCh38, 1-based): chr2:21,012,420, T>G on the plus strand (A>C on the coding strand, the complement: APOB is on the minus strand). VCF-style: chr2-21012420-T-G. GRCh37 (hg19) VCF-style: chr2-21235292-T-G.
Other names: short protein forms E1483A.
Identifiers: ClinVar variation 5010110 (VCV005010110.1).